The following is an entry in ClinVar:

ClinVar aggregate classification (germline): Uncertain significance (1 of 4 stars; one submission).

gnomAD v4.1: 4 of 1,612,686 alleles (0.00025%); highest among the groups gnomAD compares: African/African-American, 0.0013%; no homozygotes.

Submission:

Labcorp Genetics (formerly Invitae), Labcorp
Classification: Uncertain significance. Last evaluated: 2024-05-06. Review status: criteria provided, single submitter. Criteria: Invitae Variant Classification Sherloc (09022015). Collection method: clinical testing. Allele origin: germline.
Comment: This sequence change affects a donor splice site in intron 20 of the ITGAM gene. It is expected to disrupt RNA splicing. Variants that disrupt the donor or acceptor splice site typically lead to a loss of protein function (PMID: 16199547), however the current clinical and genetic evidence is not sufficient to establish whether loss-of-function variants in ITGAM cause disease. This variant is not present in population databases (gnomAD no frequency). This variant has not been reported in the literature in individuals affected with ITGAM-related conditions. Algorithms developed to predict the effect of sequence changes on RNA splicing suggest that this variant may disrupt the consensus splice site. In summary, the available evidence is currently insufficient to determine the role of this variant in disease. Therefore, it has been classified as a Variant of Uncertain Significance.

Literature cited by the submitters: PubMed 16199547.

NM_000632.4(ITGAM):c.2505+2T>C

Gene: ITGAM (integrin subunit alpha M; plus strand). Cytogenetic location: 16p11.2.
Variant type: single nucleotide variant.
Coding change: c.2505+2T>C on transcript NM_000632.4 (MANE Select); the canonical splice donor site of the intron after coding-DNA position 2505, T replaced by C.
Molecular consequence: splice donor variant.
Genome position (GRCh38, 1-based): chr16:31,325,406, T>C. VCF-style: chr16-31325406-T-C. GRCh37 (hg19) VCF-style: chr16-31336727-T-C.
Other names: c.2508+2T>C (NM_001145808.2).
Identifiers: ClinVar variation 3673772 (VCV003673772.2).